The following is an entry in ClinVar:

NM_001165963.4(SCN1A):c.3075T>G (p.Tyr1025Ter)

Gene: SCN1A (sodium voltage-gated channel alpha subunit 1; minus strand). Cytogenetic location: 2q24.3.
Variant type: single nucleotide variant.
Coding change: c.3075T>G on transcript NM_001165963.4 (MANE Select); coding-DNA position 3075, T replaced by G.
Protein change: p.Tyr1025Ter; replaces tyrosine 1025 with a stop codon.
Molecular consequence: nonsense. On other transcripts: non-coding transcript variant (1).
Genome position (GRCh38, 1-based): chr2:166,036,402, A>C on the plus strand (T>G on the coding strand, the complement: SCN1A is on the minus strand). VCF-style: chr2-166036402-A-C. GRCh37 (hg19) VCF-style: chr2-166892912-A-C.
Other names: c.2991T>G, p.Tyr997Ter (NM_001165964.3, NM_001353957.2, NM_001353958.2); c.3075T>G, p.Tyr1025Ter (NM_001202435.3, NM_001353948.2); c.3042T>G, p.Tyr1014Ter (NM_001353949.2, NM_001353950.2, NM_001353951.2 and 2 more transcripts); c.3039T>G, p.Tyr1013Ter (NM_001353954.2, NM_001353955.2); c.2988T>G, p.Tyr996Ter (NM_001353960.2); c.633T>G, p.Tyr211Ter (NM_001353961.2); short protein forms Y1025*, Y211*, Y996*, Y1014*, Y997*, Y1013*.
Identifiers: ClinVar variation 2734306 (VCV002734306.3), dbSNP rs781208850, ClinGen allele CA349060111.

ClinVar aggregate classification (germline): Pathogenic (1 of 4 stars; one submission).

Conditions:
Early-infantile DEE. Also called: Early infantile epileptic encephalopathy; Early infantile epileptic encephalopathy with suppression bursts; Ohtahara syndrome. Identifiers: Orphanet 1934, MedGen C0393706, MONDO:0800491.

Submission:

Labcorp Genetics (formerly Invitae), Labcorp
Classification: Pathogenic for Early-infantile DEE. Last evaluated: 2024-10-17. Review status: criteria provided, single submitter. Criteria: Invitae Variant Classification Sherloc (09022015). Collection method: clinical testing. Allele origin: germline.
Comment: This sequence change creates a premature translational stop signal (p.Tyr1025*) in the SCN1A gene. It is expected to result in an absent or disrupted protein product. Loss-of-function variants in SCN1A are known to be pathogenic (PMID: 17347258, 18930999). This variant is not present in population databases (gnomAD no frequency). This premature translational stop signal has been observed in individual(s) with intractable epilepsy (PMID: 23195492). For these reasons, this variant has been classified as Pathogenic.

Literature cited by the submitters: PubMed 17347258; PubMed 18930999; PubMed 23195492.